The following is an entry in ClinVar:

NM_001130965.3(SUN1):c.2163G>C (p.Glu721Asp)

Gene: SUN1 (Sad1 and UNC84 domain containing 1; plus strand). Cytogenetic location: 7p22.3.
Variant type: single nucleotide variant.
Coding change: c.2163G>C on transcript NM_001130965.3 (MANE Select); coding-DNA position 2163, G replaced by C.
Protein change: p.Glu721Asp; replaces glutamic acid 721 with aspartic acid.
Molecular consequence: missense variant. On other transcripts: non-coding transcript variant (3), intron variant (12).
Genome position (GRCh38, 1-based): chr7:872,484, G>C. VCF-style: chr7-872484-G-C. GRCh37 (hg19) VCF-style: chr7-912121-G-C.
Other names: c.1854G>C, p.Glu618Asp (NM_001171944.2); c.2163G>C, p.Glu721Asp (NM_001367633.1, NM_001367634.1); c.1812G>C, p.Glu604Asp (NM_001367635.1); c.2271G>C, p.Glu757Asp (NM_001367638.1); c.1704G>C, p.Glu568Asp (NM_001367639.1); c.2343G>C, p.Glu781Asp (NM_001367640.1); c.2445G>C, p.Glu815Asp (NM_001367641.1); c.2148G>C, p.Glu716Asp (NM_001367642.1); and 55 more; short protein forms E695D, E699D, E710D, E730D, E764D, E781D, E786D, E802D.
Identifiers: ClinVar variation 2147042 (VCV002147042.4), dbSNP rs996720559, ClinGen allele CA152368543.

ClinVar aggregate classification (germline): Uncertain significance (1 of 4 stars; one submission).

Conditions:
Emery-Dreifuss muscular dystrophy (EDMD). Also called: Scapuloperoneal syndrome, X-linked (formerly); Humeroperoneal neuromuscular disease, (formerly). Identifiers: Orphanet 261, MedGen C0410189, MONDO:0016830.

Allele frequency attached by ClinVar (database versions not stated): TOPMed below 0.00001; gnomAD exomes 0.00001.
gnomAD v4.1: 12 of 1,603,322 alleles (0.00075%); highest among the groups gnomAD compares: African/African-American, 0.0013%; no homozygotes.

Submission:

Labcorp Genetics (formerly Invitae), Labcorp
Classification: Uncertain significance for Emery-Dreifuss muscular dystrophy. Last evaluated: 2023-11-18. Review status: criteria provided, single submitter. Criteria: Invitae Variant Classification Sherloc (09022015). Collection method: clinical testing. Allele origin: germline.
Comment: This sequence change replaces glutamic acid, which is acidic and polar, with aspartic acid, which is acidic and polar, at codon 721 of the SUN1 protein (p.Glu721Asp). This variant is present in population databases (no rsID available, gnomAD 0.002%). This variant has not been reported in the literature in individuals affected with SUN1-related conditions. ClinVar contains an entry for this variant (Variation ID: 2147042). An algorithm developed to predict the effect of missense changes on protein structure and function (PolyPhen-2) suggests that this variant is likely to be disruptive. In summary, the available evidence is currently insufficient to determine the role of this variant in disease. Therefore, it has been classified as a Variant of Uncertain Significance.